The following is an entry in ClinVar:

ClinVar aggregate classification (germline): Uncertain significance (1 of 4 stars; one submission).

Allele frequency attached by ClinVar (database versions not stated): gnomAD exomes 0.00001; ExAC 0.00002; TOPMed 0.00002.
gnomAD v4.1: 6 of 1,613,692 alleles (0.00037%); highest among the groups gnomAD compares: Admixed American, 0.01%; no homozygotes.

Submission:

Labcorp Genetics (formerly Invitae), Labcorp
Classification: Uncertain significance. Last evaluated: 2022-10-24. Review status: criteria provided, single submitter. Criteria: Invitae Variant Classification Sherloc (09022015). Collection method: clinical testing. Allele origin: germline.
Comment: This variant is present in population databases (rs745890694, gnomAD 0.01%). In summary, the available evidence is currently insufficient to determine the role of this variant in disease. Therefore, it has been classified as a Variant of Uncertain Significance. Advanced modeling of protein sequence and biophysical properties (such as structural, functional, and spatial information, amino acid conservation, physicochemical variation, residue mobility, and thermodynamic stability) performed at Invitae indicates that this missense variant is not expected to disrupt RCBTB1 protein function. This variant has not been reported in the literature in individuals affected with RCBTB1-related conditions. This sequence change replaces histidine, which is basic and polar, with tyrosine, which is neutral and polar, at codon 461 of the RCBTB1 protein (p.His461Tyr).

NM_018191.4(RCBTB1):c.1381C>T (p.His461Tyr)

Gene: RCBTB1 (RCC1 and BTB domain containing protein 1; minus strand). Cytogenetic location: 13q14.2.
Variant type: single nucleotide variant.
Coding change: c.1381C>T on transcript NM_018191.4 (MANE Select); coding-DNA position 1381, C replaced by T.
Protein change: p.His461Tyr; replaces histidine 461 with tyrosine.
Molecular consequence: missense variant. On other transcripts: non-coding transcript variant (2).
Genome position (GRCh38, 1-based): chr13:49,540,950, G>A on the plus strand (C>T on the coding strand, the complement: RCBTB1 is on the minus strand). VCF-style: chr13-49540950-G-A. GRCh37 (hg19) VCF-style: chr13-50115086-G-A.
Other names: c.1381C>T, p.His461Tyr (NM_001352500.2, NM_001352501.2, NM_001352502.2 and 2 more transcripts); c.802C>T, p.His268Tyr (NM_001352506.2); short protein forms H268Y, H461Y.
Identifiers: ClinVar variation 2161517 (VCV002161517.4), dbSNP rs745890694, ClinGen allele CA6982583.
Genomic context (GRCh38, chr13:49,540,950, plus strand): 5'-TGACTGCAGCAGAGAATAGCGAAAAGGCATTCTCCACAGTAATTCCTCTCTTGATAATGT[G>A]CTGACAAAGTTTTTTCAGTCTGTTTTCACAGTAAGATGTCGCCAAATCCAGAAGACCTAA-3'
Protein context (NP_060661.3, residues 451-471): CENRLKKLCQ[His461Tyr]IIKRGITVEN